The following is an entry in ClinVar:

ClinVar aggregate classification (germline): other (0 of 4 stars; one submission).

Conditions:
Familial colorectal cancer. Identifiers: MedGen CN280943, MONDO:0023113. Disease mechanism: loss of function.

Submission:

Systems Biology Platform Zhejiang California International NanoSystems Institute
Classification: other for Familial colorectal cancer. Review status: no assertion criteria provided. Collection method: not provided. Allele origin: unknown.
ClinVar note: Converted during submission from cancer to other.

NM_000038.6(APC):c.1744-1868T>C

Gene: APC (APC regulator of WNT signaling pathway; plus strand). Cytogenetic location: 5q22.2.
Variant type: single nucleotide variant.
Coding change: c.1744-1868T>C on transcript NM_000038.6 (MANE Select); 1868 bases into the intron before coding-DNA position 1744, T replaced by C.
Molecular consequence: intron variant.
Genome position (GRCh38, 1-based): chr5:112,833,083, T>C. VCF-style: chr5-112833083-T-C. GRCh37 (hg19) VCF-style: chr5-112168780-T-C.
Other names: c.1744-1868T>C (NM_001354895.2, NM_001127510.3); c.1774-1868T>C (NM_001354897.2); c.1471-1868T>C (NM_001354902.2); c.1690-1868T>C (NM_001127511.3); c.1669-1868T>C (NM_001354898.2); c.1366-1868T>C (NM_001354904.2); c.895-1868T>C (NM_001354906.2); c.1798-1868T>C (NM_001354896.2); and 5 more.
Identifiers: ClinVar variation 82606 (VCV000082606.2), dbSNP rs78526835, ClinGen allele CA005773.